The following is an entry in ClinVar:

ClinVar aggregate classification (germline): Uncertain significance. Review status: criteria provided, multiple submitters, no conflicts (2 of 4 stars). 2 submissions from 2 submitters: Uncertain significance (2). Last evaluated 2026-02-24.

Conditions:
Inborn genetic diseases. Identifiers: MedGen C0950123, MeSH D030342.
Aortic valve disease 2 (AOVD2). Identifiers: MedGen C3542024, MONDO:0013902, OMIM 614823.

Allele frequency attached by ClinVar (database versions not stated): TOPMed 0.00001.
gnomAD v4.1: 16 of 1,475,420 alleles (0.0011%); highest among the groups gnomAD compares: Non-Finnish European, 0.0014%; no homozygotes.

Submissions (2):

Ambry Genetics
Classification: Uncertain significance for Inborn genetic diseases. Last evaluated: 2026-02-24. Review status: criteria provided, single submitter. Criteria: Ambry Variant Classification Scheme 2023. Collection method: clinical testing. Allele origin: germline.
Comment: The p.D36Y variant (also known as c.106G>T), located in coding exon 1 of the SMAD6 gene, results from a G to T substitution at nucleotide position 106. The aspartic acid at codon 36 is replaced by tyrosine, an amino acid with highly dissimilar properties. This amino acid position is conserved. In addition, the in silico prediction for this alteration is inconclusive. Based on the available evidence, the clinical significance of this variant remains unclear.

Labcorp Genetics (formerly Invitae), Labcorp
Classification: Uncertain significance for Aortic valve disease 2. Last evaluated: 2025-09-16. Review status: criteria provided, single submitter. Criteria: Invitae Variant Classification Sherloc (09022015). Collection method: clinical testing. Allele origin: germline.
Comment: This sequence change replaces aspartic acid, which is acidic and polar, with tyrosine, which is neutral and polar, at codon 36 of the SMAD6 protein (p.Asp36Tyr). This variant is present in population databases (no rsID available, gnomAD 0.007%). This variant has not been reported in the literature in individuals affected with SMAD6-related conditions. ClinVar contains an entry for this variant (Variation ID: 837002). An algorithm developed to predict the effect of missense changes on protein structure and function (PolyPhen-2) suggests that this variant is likely to be tolerated. In summary, the available evidence is currently insufficient to determine the role of this variant in disease. Therefore, it has been classified as a Variant of Uncertain Significance.

NM_005585.5(SMAD6):c.106G>T (p.Asp36Tyr)

Gene: SMAD6 (SMAD family member 6; plus strand). Cytogenetic location: 15q22.31.
Variant type: single nucleotide variant.
Coding change: c.106G>T on transcript NM_005585.5 (MANE Select); coding-DNA position 106, G replaced by T.
Protein change: p.Asp36Tyr; replaces aspartic acid 36 with tyrosine.
Molecular consequence: missense variant. On other transcripts: non-coding transcript variant (1).
Genome position (GRCh38, 1-based): chr15:66,703,364, G>T. VCF-style: chr15-66703364-G-T. GRCh37 (hg19) VCF-style: chr15-66995702-G-T.
Other names: short protein forms D36Y.
Identifiers: ClinVar variation 837002 (VCV000837002.10), dbSNP rs773308777, ClinGen allele CA392948536.